The following is an entry in ClinVar:

ClinVar aggregate classification (germline): Uncertain significance. Review status: criteria provided, multiple submitters, no conflicts (2 of 4 stars). 3 submissions from 3 submitters: Uncertain significance (3). Last evaluated 2024-01-23.

Conditions:
Inborn genetic diseases. Identifiers: MedGen C0950123, MeSH D030342.
Currarino triad. Identifiers: Orphanet 1552, MedGen C1531773, MONDO:0008305, OMIM 176450.

Allele frequency attached by ClinVar (database versions not stated): gnomAD 0.00002 and 0.00003; gnomAD exomes 0.00002; TOPMed 0.00003.

Submissions (3):

Fulgent Genetics
Classification: Uncertain significance for Currarino triad. Last evaluated: 2024-01-23. Review status: criteria provided, single submitter. Criteria: ACMG Guidelines, 2015. Collection method: clinical testing. Allele origin: germline.

Labcorp Genetics (formerly Invitae), Labcorp
Classification: Uncertain significance. Last evaluated: 2023-10-08. Review status: criteria provided, single submitter. Criteria: Invitae Variant Classification Sherloc (09022015). Collection method: clinical testing. Allele origin: germline.
Comment: This sequence change replaces proline, which is neutral and non-polar, with serine, which is neutral and polar, at codon 92 of the MNX1 protein (p.Pro92Ser). This variant is present in population databases (no rsID available, gnomAD 0.007%). This variant has not been reported in the literature in individuals affected with MNX1-related conditions. ClinVar contains an entry for this variant (Variation ID: 1348574). Advanced modeling of protein sequence and biophysical properties (such as structural, functional, and spatial information, amino acid conservation, physicochemical variation, residue mobility, and thermodynamic stability) performed at Invitae indicates that this missense variant is not expected to disrupt MNX1 protein function. In summary, the available evidence is currently insufficient to determine the role of this variant in disease. Therefore, it has been classified as a Variant of Uncertain Significance.

Ambry Genetics
Classification: Uncertain significance for Inborn genetic diseases. Last evaluated: 2022-05-11. Review status: criteria provided, single submitter. Criteria: Ambry Variant Classification Scheme 2023. Collection method: clinical testing. Allele origin: germline.

NM_005515.4(MNX1):c.274C>T (p.Pro92Ser)

Gene: MNX1 (motor neuron and pancreas homeobox 1; minus strand). Cytogenetic location: 7q36.3.
Variant type: single nucleotide variant.
Coding change: c.274C>T on transcript NM_005515.4 (MANE Select); coding-DNA position 274, C replaced by T.
Protein change: p.Pro92Ser; replaces proline 92 with serine.
Molecular consequence: missense variant.
Genome position (GRCh38, 1-based): chr7:157,010,077, G>A on the plus strand (C>T on the coding strand, the complement: MNX1 is on the minus strand). VCF-style: chr7-157010077-G-A. GRCh37 (hg19) VCF-style: chr7-156802771-G-A.
Other names: c.274C>T (NM_005515.3); short protein forms P92S.
Identifiers: ClinVar variation 1348574 (VCV001348574.10), dbSNP rs1311353245, ClinGen allele CA370164894.
Genomic context (GRCh38, chr7:157,010,077, plus strand): 5'-CCCCGTGCCCGCCGCCCGTGCCGCCGCCGCCGCCGCCCGCGCCCAGGAAGCCCGGCTTGG[G>A]CAGCAGCGCGCAGTGCGCGGCCAGCAGGCGCGGCGGCGACGGGCTCTCGGCGCGCAGGCG-3'
Protein context (NP_005506.3, residues 82-102): RLLAAHCALL[Pro92Ser]KPGFLGAGGG